The following is an entry in ClinVar:

NM_153240.5(NPHP3):c.166_167delinsTA (p.Gly56Ter)

Genes: NPHP3 (nephrocystin 3; minus strand), NPHP3-ACAD11 (NPHP3-ACAD11 readthrough (NMD candidate); minus strand), NPHP3-AS1 (NPHP3 antisense RNA 1; plus strand), LOC129937586 (ATAC-STARR-seq lymphoblastoid silent region 14743; plus strand). Cytogenetic location: 3q22.1.
Variant type: Indel.
Coding change: c.166_167delinsTA on transcript NM_153240.5 (MANE Select); coding-DNA positions 166 to 167, GG replaced by TA.
Protein change: p.Gly56Ter; replaces glycine 56 with a stop codon.
Molecular consequence: nonsense. On other transcripts: non-coding transcript variant (3).
Genome position (GRCh38, 1-based): chr3:132,722,189-132,722,190, CC replaced by TA on the plus strand (GG replaced by TA on the coding strand, the reverse complement: NPHP3 is on the minus strand). VCF-style: chr3-132722189-CC-TA. GRCh37 (hg19) VCF-style: chr3-132441033-CC-TA.
Other names: short protein forms G56*.
Identifiers: ClinVar variation 2823292 (VCV002823292.3), dbSNP rs2530522078, ClinGen allele CA2739278326.
Genomic context (GRCh38, chr3:132,722,189, plus strand): 5'-GACTTGAAGCTGGCCCCCAGCAGCCCGCCCGCGCCCACCCCGCGGGGCAGCGACCCGGGC[CC>TA]GGCCCCTGCTGCCGCCCCCGCGCCTCGGCGGAACGAGTTGCGCAGCAGGCGGGCCTTGGG-3'

ClinVar aggregate classification (germline): Pathogenic (1 of 4 stars; one submission).

Conditions:
Nephronophthisis. Also called: Juvenile Nephronophthisis. Identifiers: Orphanet 655, MedGen C0687120, MONDO:0019005, HP:0000090.

Submission:

Labcorp Genetics (formerly Invitae), Labcorp
Classification: Pathogenic for Nephronophthisis. Last evaluated: 2023-02-22. Review status: criteria provided, single submitter. Criteria: Invitae Variant Classification Sherloc (09022015). Collection method: clinical testing. Allele origin: germline.
Comment: For these reasons, this variant has been classified as Pathogenic. This variant has not been reported in the literature in individuals affected with NPHP3-related conditions. Information on the frequency of this variant in the gnomAD database is not available, as this variant may be reported differently in the database. This sequence change creates a premature translational stop signal (p.Gly56*) in the NPHP3 gene. It is expected to result in an absent or disrupted protein product. Loss-of-function variants in NPHP3 are known to be pathogenic (PMID: 18371931, 23559409).

Literature cited by the submitters: PubMed 18371931; PubMed 23559409.